The following is an entry in ClinVar:

NM_022124.6(CDH23):c.1720G>A (p.Glu574Lys)

Gene: CDH23 (cadherin related 23; plus strand). Cytogenetic location: 10q22.1.
Variant type: single nucleotide variant.
Coding change: c.1720G>A on transcript NM_022124.6 (MANE Select); coding-DNA position 1720, G replaced by A.
Protein change: p.Glu574Lys; replaces glutamic acid 574 with lysine.
Molecular consequence: missense variant.
Genome position (GRCh38, 1-based): chr10:71,677,661, G>A. VCF-style: chr10-71677661-G-A. GRCh37 (hg19) VCF-style: chr10-73437418-G-A.
Other names: c.1720G>A, p.Glu574Lys (NM_001171930.2, NM_001171931.2); c.1720G>A (NM_022124.5); short protein forms E574K.
Identifiers: ClinVar variation 2158842 (VCV002158842.3), dbSNP rs368496789, ClinGen allele CA5543935.
Genomic context (GRCh38, chr10:71,677,661, plus strand): 5'-GTCAACGACAACGTGCCCACCTTCCAGAAGGATGCCTACGTGGGTGCTCTGCGGGAGAAC[G>A]AGCCTTCTGTCACACAGCTGGTGCGGCTCCGGGTAAGGTGCCAGGGAGCCCTGCACTCCT-3'
Protein context (NP_071407.4, residues 564-584): DAYVGALREN[Glu574Lys]PSVTQLVRLR

ClinVar aggregate classification (germline): Uncertain significance. Review status: criteria provided, multiple submitters, no conflicts (2 of 4 stars). 2 submissions from 2 submitters: Uncertain significance (2). Last evaluated 2023-04-20.

Conditions:
Inborn genetic diseases. Identifiers: MedGen C0950123, MeSH D030342.

Allele frequency attached by ClinVar (database versions not stated): gnomAD exomes below 0.00001; ExAC 0.00003; ESP Exome Variant Server 0.00008.

Submissions (2):

Ambry Genetics
Classification: Uncertain significance for Inborn genetic diseases. Last evaluated: 2023-04-20. Review status: criteria provided, single submitter. Criteria: Ambry Variant Classification Scheme 2023. Collection method: clinical testing. Allele origin: germline.

Labcorp Genetics (formerly Invitae), Labcorp
Classification: Uncertain significance. Last evaluated: 2022-06-04. Review status: criteria provided, single submitter. Criteria: Invitae Variant Classification Sherloc (09022015). Collection method: clinical testing. Allele origin: germline.
Comment: This sequence change replaces glutamic acid, which is acidic and polar, with lysine, which is basic and polar, at codon 574 of the CDH23 protein (p.Glu574Lys). The frequency data for this variant in the population databases is considered unreliable, as metrics indicate poor data quality at this position in the gnomAD database. This variant has not been reported in the literature in individuals affected with CDH23-related conditions. Algorithms developed to predict the effect of missense changes on protein structure and function are either unavailable or do not agree on the potential impact of this missense change (SIFT: "Deleterious"; PolyPhen-2: "Not Available"; Align-GVGD: "Class C0"). In summary, the available evidence is currently insufficient to determine the role of this variant in disease. Therefore, it has been classified as a Variant of Uncertain Significance.